The following is an entry in ClinVar:

NC_000023.10:g.(?_152014869)_(152014996_?)dup

Gene: NSDHL (NAD(P) dependent steroid dehydrogenase-like; plus strand). Cytogenetic location: Xq28.
Variant type: Duplication.
Identifiers: ClinVar variation 2426245 (VCV002426245.4).

ClinVar aggregate classification (germline): Uncertain significance (1 of 4 stars; one submission).

Submission:

Labcorp Genetics (formerly Invitae), Labcorp
Classification: Uncertain significance. Last evaluated: 2023-02-07. Review status: criteria provided, single submitter. Criteria: Invitae Variant Classification Sherloc (09022015). Collection method: clinical testing. Allele origin: germline.
Comment: This variant results in a copy number gain of the genomic region encompassing exon(s) 2 of the NSDHL gene. This region includes the initiator codon of the gene. This copy number gain extends beyond the assayed region for this gene and therefore may encompass additional genes. As the precise location of this event is unknown, it may be in tandem or it may be located elsewhere in the genome. This variant has not been reported in the literature in individuals affected with NSDHL-related conditions. In summary, the available evidence is currently insufficient to determine the role of this variant in disease. Therefore, it has been classified as a Variant of Uncertain Significance.